The following is an entry in ClinVar:

ClinVar aggregate classification (germline): Pathogenic. Review status: criteria provided, multiple submitters, no conflicts (2 of 4 stars). 3 submissions from 3 submitters: Pathogenic (2). 1 of the submissions does not count toward it. Last evaluated 2024-04-07.

Conditions:
Epidermolysis bullosa, junctional 2A, intermediate. Also called: EPIDERMOLYSIS BULLOSA, JUNCTIONAL 2A, GENERALIZED INTERMEDIATE; EPIDERMOLYSIS BULLOSA, JUNCTIONAL 2A, NON-HERLITZ TYPE. Identifiers: MedGen C5676936, MONDO:0030746, OMIM 619783.
Epidermolysis bullosa, junctional 2B, severe. Also called: EPIDERMOLYSIS BULLOSA, JUNCTIONAL 2B, GENERALIZED SEVERE; EPIDERMOLYSIS BULLOSA, JUNCTIONAL 2B, HERLITZ TYPE. Identifiers: MedGen C5676937, MONDO:0030747, OMIM 619784.
Laryngo-onycho-cutaneous syndrome (JEB2C). Also called: LOGIC SYNDROME; EPIDERMOLYSIS BULLOSA, JUNCTIONAL 2C, LARYNGOONYCHOCUTANEOUS; SHABBIR SYNDROME. Identifiers: Orphanet 2407, MedGen C1328355, MONDO:0009513, OMIM 245660.
Junctional epidermolysis bullosa gravis of Herlitz. Also called: JEB-HERLITZ TYPE; EPIDERMOLYSIS BULLOSA, JUNCTIONAL 1B, SEVERE; Epidermolysis Bullosa Letalis; Herlitz-type junctional epidermolysis bullosa; EPIDERMOLYSIS BULLOSA JUNCTIONALIS, HERLITZ TYPE; EPIDERMOLYSIS BULLOSA, JUNCTIONAL, HERLITZ-PEARSON TYPE. Identifiers: Orphanet 79404, MedGen C0079683, MONDO:0009182, OMIM 226700.

Submissions (3):

Fulgent Genetics
Classification: Pathogenic for Laryngo-onycho-cutaneous syndrome; Epidermolysis bullosa, junctional 2A, intermediate; Epidermolysis bullosa, junctional 2B, severe. Last evaluated: 2024-04-07. Review status: criteria provided, single submitter. Criteria: ACMG Guidelines, 2015. Collection method: clinical testing. Allele origin: germline.

Labcorp Genetics (formerly Invitae), Labcorp
Classification: Pathogenic. Last evaluated: 2023-03-15. Review status: criteria provided, single submitter. Criteria: Invitae Variant Classification Sherloc (09022015). Collection method: clinical testing. Allele origin: germline.
Comment: For these reasons, this variant has been classified as Pathogenic. ClinVar contains an entry for this variant (Variation ID: 370752). This variant has not been reported in the literature in individuals affected with LAMA3-related conditions. This variant is present in population databases (rs752030611, gnomAD 0.004%). This sequence change creates a premature translational stop signal (p.Cys75Valfs*65) in the LAMA3 gene. It is expected to result in an absent or disrupted protein product. Loss-of-function variants in LAMA3 are known to be pathogenic (PMID: 10366601, 11810295, 12915477, 16473856, 17362460, 22434185, 23869449, 27827380, 28087116).

Counsyl
Classification: Likely pathogenic for Junctional epidermolysis bullosa gravis of Herlitz. Last evaluated: 2016-04-05. Review status: no assertion criteria provided. Collection method: clinical testing. Allele origin: unknown. Not counted in ClinVar's aggregate classification.

Literature cited by the submitters: PubMed 10366601 (cited by Labcorp Genetics (formerly Invitae), Labcorp); PubMed 11810295 (cited by Labcorp Genetics (formerly Invitae), Labcorp); PubMed 12915477 (cited by Labcorp Genetics (formerly Invitae), Labcorp); PubMed 16473856 (cited by Labcorp Genetics (formerly Invitae), Labcorp); PubMed 17362460 (cited by Labcorp Genetics (formerly Invitae), Labcorp); PubMed 22434185 (cited by Labcorp Genetics (formerly Invitae), Labcorp); PubMed 23869449 (cited by Labcorp Genetics (formerly Invitae), Labcorp); PubMed 27827380 (cited by Labcorp Genetics (formerly Invitae), Labcorp); PubMed 28087116 (cited by Labcorp Genetics (formerly Invitae), Labcorp).

NM_198129.4(LAMA3):c.5049del (p.Cys1684fs)

Gene: LAMA3 (laminin subunit alpha 3; plus strand). Cytogenetic location: 18q11.2.
Variant type: Deletion.
Coding change: c.5049del on transcript NM_198129.4 (MANE Select); coding-DNA position 5049, one base deleted (G; older notation c.5049delG).
Protein change: p.Cys1684fs; shifts the reading frame from cysteine 1684.
Molecular consequence: frameshift variant.
Genome position (GRCh38, 1-based): chr18:23,876,344, G deleted; the last of 2 consecutive G bases (chr18:23,876,343-23,876,344); deleting either gives the same sequence. VCF-style (leftmost placement, unchanged base first): chr18-23876342-CG-C. GRCh37 (hg19) VCF-style: chr18-21456306-CG-C.
Other names: c.222del, p.Cys75fs (NM_000227.6, NM_001127718.4); c.5049del, p.Cys1684fs (NM_001127717.4); short protein forms C1684fs, C75fs.
Identifiers: ClinVar variation 370752 (VCV000370752.10), dbSNP rs752030611, ClinGen allele CA8915872.